The following is an entry in ClinVar:

ClinVar aggregate classification (germline): Pathogenic (1 of 4 stars; one submission).

Conditions:
Hypodontia. Also called: Partial congenital absence of teeth; TOOTH AGENESIS, FAMILIAL; Tooth agenesis, selective. Identifiers: Orphanet 99798, MedGen C0020608, MONDO:0005486, HP:0000668. Disease mechanism: loss of function.

Submission:

Labcorp Genetics (formerly Invitae), Labcorp
Classification: Pathogenic for Hypodontia. Last evaluated: 2024-10-30. Review status: criteria provided, single submitter. Criteria: Invitae Variant Classification Sherloc (09022015). Collection method: clinical testing. Allele origin: germline.
Comment: This sequence change affects the initiator methionine of the PAX9 mRNA. The next in-frame methionine is located at codon 188. This variant is not present in population databases (gnomAD no frequency). Disruption of the initiator codon has been observed in individual(s) with tooth agenesis (PMID: 15615874, 26571067, 28847717). It has also been observed to segregate with disease in related individuals. For these reasons, this variant has been classified as Pathogenic.

Literature cited by the submitters: PubMed 15615874; PubMed 26571067; PubMed 28847717.

NM_001372076.1(PAX9):c.1A>C (p.Met1Leu)

Gene: PAX9 (paired box 9; plus strand). Cytogenetic location: 14q13.3.
Variant type: single nucleotide variant.
Coding change: c.1A>C on transcript NM_001372076.1 (MANE Select); coding-DNA position 1, A replaced by C.
Protein change: p.Met1Leu; changes the start codon (methionine 1).
Molecular consequence: missense variant, initiator codon variant.
Genome position (GRCh38, 1-based): chr14:36,662,090, A>C. VCF-style: chr14-36662090-A-C. GRCh37 (hg19) VCF-style: chr14-37131295-A-C.
Other names: c.1A>C, p.Met1Leu (NM_006194.4); short protein forms M1L.
Identifiers: ClinVar variation 3688458 (VCV003688458.2).